The following is an entry in ClinVar:

NM_001457.4(FLNB):c.4277T>C (p.Ile1426Thr)

Gene: FLNB (filamin B; plus strand). Cytogenetic location: 3p14.3.
Variant type: single nucleotide variant.
Coding change: c.4277T>C on transcript NM_001457.4 (MANE Select); coding-DNA position 4277, T replaced by C.
Protein change: p.Ile1426Thr; replaces isoleucine 1426 with threonine.
Molecular consequence: missense variant.
Genome position (GRCh38, 1-based): chr3:58,130,795, T>C. VCF-style: chr3-58130795-T-C. GRCh37 (hg19) VCF-style: chr3-58116522-T-C.
Other names: c.4277T>C, p.Ile1426Thr (NM_001164317.2, NM_001164318.2, NM_001164319.2); short protein forms I1426T.
Identifiers: ClinVar variation 2818342 (VCV002818342.3), dbSNP rs1013214687, ClinGen allele CA75453415.

ClinVar aggregate classification (germline): Uncertain significance (1 of 4 stars; one submission).

Allele frequency attached by ClinVar (database versions not stated): gnomAD 0.00001; TOPMed 0.00001.
gnomAD v4.1: 1 of 1,613,844 alleles (0.000062%); highest among the groups gnomAD compares: Non-Finnish European, 0.000085%; no homozygotes.

Submission:

Labcorp Genetics (formerly Invitae), Labcorp
Classification: Uncertain significance. Last evaluated: 2025-12-03. Review status: criteria provided, single submitter. Criteria: Invitae Variant Classification Sherloc (09022015). Collection method: clinical testing. Allele origin: germline.
Comment: This sequence change replaces isoleucine, which is neutral and non-polar, with threonine, which is neutral and polar, at codon 1426 of the FLNB protein (p.Ile1426Thr). This variant is not present in population databases (gnomAD no frequency). This variant has not been reported in the literature in individuals affected with FLNB-related conditions. ClinVar contains an entry for this variant (Variation ID: 2818342). Invitae Evidence Modeling of protein sequence and biophysical properties (such as structural, functional, and spatial information, amino acid conservation, physicochemical variation, residue mobility, and thermodynamic stability) indicates that this missense variant is not expected to disrupt FLNB protein function with a negative predictive value of 80%. In summary, the available evidence is currently insufficient to determine the role of this variant in disease. Therefore, it has been classified as a Variant of Uncertain Significance.